The following is an entry in ClinVar:

NM_004525.3(LRP2):c.5042A>G (p.Tyr1681Cys)

Gene: LRP2 (LDL receptor related protein 2; minus strand). Cytogenetic location: 2q31.1.
Variant type: single nucleotide variant.
Coding change: c.5042A>G on transcript NM_004525.3 (MANE Select); coding-DNA position 5042, A replaced by G.
Protein change: p.Tyr1681Cys; replaces tyrosine 1681 with cysteine.
Molecular consequence: missense variant.
Genome position (GRCh38, 1-based): chr2:169,233,467, T>C on the plus strand (A>G on the coding strand, the complement: LRP2 is on the minus strand). VCF-style: chr2-169233467-T-C. GRCh37 (hg19) VCF-style: chr2-170089977-T-C.
Other names: short protein forms Y1681C.
Identifiers: ClinVar variation 1473667 (VCV001473667.5), dbSNP rs201965024, ClinGen allele CA1954641.

ClinVar aggregate classification (germline): Uncertain significance. Review status: criteria provided, multiple submitters, no conflicts (2 of 4 stars). 2 submissions from 2 submitters: Uncertain significance (2). Last evaluated 2024-02-17.

Allele frequency attached by ClinVar (database versions not stated): TOPMed below 0.00001; gnomAD 0.00002 and 0.00003; gnomAD exomes 0.00005 and 0.00008; ExAC 0.00012; 1000 Genomes Project 0.00020; 1000 Genomes Project 30x 0.00031.
gnomAD v4.1: 40 of 1,614,194 alleles (0.0025%); highest among the groups gnomAD compares: Admixed American, 0.0017%; no homozygotes.

Submissions (2):

Labcorp Genetics (formerly Invitae), Labcorp
Classification: Uncertain significance. Last evaluated: 2024-02-17. Review status: criteria provided, single submitter. Criteria: Invitae Variant Classification Sherloc (09022015). Collection method: clinical testing. Allele origin: germline.
Comment: This sequence change replaces tyrosine, which is neutral and polar, with cysteine, which is neutral and slightly polar, at codon 1681 of the LRP2 protein (p.Tyr1681Cys). This variant is present in population databases (rs201965024, gnomAD 0.05%). This variant has not been reported in the literature in individuals affected with LRP2-related conditions. ClinVar contains an entry for this variant (Variation ID: 1473667). Advanced modeling of protein sequence and biophysical properties (such as structural, functional, and spatial information, amino acid conservation, physicochemical variation, residue mobility, and thermodynamic stability) performed at Invitae indicates that this missense variant is expected to disrupt LRP2 protein function with a positive predictive value of 95%. In summary, the available evidence is currently insufficient to determine the role of this variant in disease. Therefore, it has been classified as a Variant of Uncertain Significance.

Blueprint Genetics
Classification: Uncertain significance. Last evaluated: 2023-12-21. Review status: criteria provided, single submitter. Criteria: ACMG Guidelines, 2015. Collection method: clinical testing. Allele origin: germline.